The following is an entry in ClinVar:

NM_000477.7(ALB):c.272A>G (p.His91Arg)

Gene: ALB (albumin; plus strand). Cytogenetic location: 4q13.3.
Variant type: single nucleotide variant.
Coding change: c.272A>G on transcript NM_000477.7 (MANE Select); coding-DNA position 272, A replaced by G.
Protein change: p.His91Arg; replaces histidine 91 with arginine.
Molecular consequence: missense variant.
Genome position (GRCh38, 1-based): chr4:73,408,595, A>G. VCF-style: chr4-73408595-A-G. GRCh37 (hg19) VCF-style: chr4-74274312-A-G.
Other names: short protein forms H91R.
Identifiers: ClinVar variation 1416088 (VCV001416088.8), dbSNP rs773096498, ClinGen allele CA2959336.

ClinVar aggregate classification (germline): Uncertain significance (1 of 4 stars; one submission).

Allele frequency attached by ClinVar (database versions not stated): gnomAD exomes 0.00001; ExAC 0.00002.

Submission:

Labcorp Genetics (formerly Invitae), Labcorp
Classification: Uncertain significance. Last evaluated: 2024-10-25. Review status: criteria provided, single submitter. Criteria: Invitae Variant Classification Sherloc (09022015). Collection method: clinical testing. Allele origin: germline.
Comment: This sequence change replaces histidine with arginine at codon 91 of the ALB protein (p.His91Arg). The histidine residue is moderately conserved and there is a small physicochemical difference between histidine and arginine. This variant is present in population databases (rs773096498, gnomAD 0.003%). This variant has not been reported in the literature in individuals affected with ALB-related conditions. ClinVar contains an entry for this variant (Variation ID: 1416088). An algorithm developed to predict the effect of missense changes on protein structure and function (PolyPhen-2) suggests that this variant is likely to be disruptive. In summary, the available evidence is currently insufficient to determine the role of this variant in disease. Therefore, it has been classified as a Variant of Uncertain Significance.